The following is an entry in ClinVar:

NM_001261826.3(AP3D1):c.175G>A (p.Val59Ile)

Gene: AP3D1 (adaptor related protein complex 3 subunit delta 1; minus strand). Cytogenetic location: 19p13.3.
Variant type: single nucleotide variant.
Coding change: c.175G>A on transcript NM_001261826.3 (MANE Select); coding-DNA position 175, G replaced by A.
Protein change: p.Val59Ile; replaces valine 59 with isoleucine.
Molecular consequence: missense variant.
Genome position (GRCh38, 1-based): chr19:2,138,636, C>T on the plus strand (G>A on the coding strand, the complement: AP3D1 is on the minus strand). VCF-style: chr19-2138636-C-T. GRCh37 (hg19) VCF-style: chr19-2138635-C-T.
Other names: p.Val59Ile; c.175G>A, p.Val59Ile (NM_001374799.1, NM_003938.8); short protein forms V59I.
Identifiers: ClinVar variation 4542286 (VCV004542286.1).
Genomic context (GRCh38, chr19:2,138,636, plus strand): 5'-GCAGCCCGACAGTGCTGGGCGCTGGCCACTGGGAGGCACTTACATACGTCAGCTTGCAGA[C>T]CGCGTTCGCCTTCACCGCTATGTTGTCCTGCTTCAGCTCCTGCTTGATCTCATCAATGCA-3'
Protein context (NP_001248755.1, residues 49-69): QDNIAVKANA[Val59Ile]CKLTYLQMLG

ClinVar aggregate classification (germline): Uncertain significance (1 of 4 stars; one submission).

Submission:

Mayo Clinic Laboratories, Mayo Clinic
Classification: Uncertain significance. Last evaluated: 2025-12-10. Review status: criteria provided, single submitter. Criteria: ACMG Guidelines, 2015. Collection method: clinical testing. Allele origin: germline. Observed: 1 variant allele.
Comment: BP4_moderate, PM1, PM2_supporting